The following is an entry in ClinVar:

ClinVar aggregate classification (germline): Pathogenic (1 of 4 stars; one submission).

Conditions:
Chédiak-Higashi syndrome (CHS). Also called: Chediak-Higashi Syndrome. Identifiers: Orphanet 167, MedGen C0007965, MONDO:0008963, OMIM 214500.

Submission:

Labcorp Genetics (formerly Invitae), Labcorp
Classification: Pathogenic for Chédiak-Higashi syndrome. Last evaluated: 2022-06-21. Review status: criteria provided, single submitter. Criteria: Invitae Variant Classification Sherloc (09022015). Collection method: clinical testing. Allele origin: germline.
Comment: This sequence change creates a premature translational stop signal (p.Leu1257*) in the LYST gene. It is expected to result in an absent or disrupted protein product. Loss-of-function variants in LYST are known to be pathogenic (PMID: 9215679, 11857544). This variant is not present in population databases (gnomAD no frequency). For these reasons, this variant has been classified as Pathogenic. This variant has not been reported in the literature in individuals affected with LYST-related conditions.

Literature cited by the submitters: PubMed 9215679; PubMed 11857544.

NM_000081.4(LYST):c.3770T>A (p.Leu1257Ter)

Gene: LYST (lysosomal trafficking regulator; minus strand). Cytogenetic location: 1q42.3.
Variant type: single nucleotide variant.
Coding change: c.3770T>A on transcript NM_000081.4 (MANE Select); coding-DNA position 3770, T replaced by A.
Protein change: p.Leu1257Ter; replaces leucine 1257 with a stop codon.
Molecular consequence: nonsense.
Genome position (GRCh38, 1-based): chr1:235,801,040, A>T on the plus strand (T>A on the coding strand, the complement: LYST is on the minus strand). VCF-style: chr1-235801040-A-T. GRCh37 (hg19) VCF-style: chr1-235964340-A-T.
Other names: c.3770T>A, p.Leu1257Ter (NM_001301365.1); short protein forms L1257*.
Identifiers: ClinVar variation 2051422 (VCV002051422.4), dbSNP rs2527016426, ClinGen allele CA344944361.